The following is an entry in ClinVar:

NM_000089.4(COL1A2):c.433-2A>C

Gene: COL1A2 (collagen type I alpha 2 chain; plus strand). Cytogenetic location: 7q21.3.
Variant type: single nucleotide variant.
Coding change: c.433-2A>C on transcript NM_000089.4 (MANE Select); the canonical splice acceptor site of the intron before coding-DNA position 433, A replaced by C.
Molecular consequence: splice acceptor variant.
Genome position (GRCh38, 1-based): chr7:94,405,197, A>C. VCF-style: chr7-94405197-A-C. GRCh37 (hg19) VCF-style: chr7-94034509-A-C.
Identifiers: ClinVar variation 581099 (VCV000581099.11), dbSNP rs1554395471, ClinGen allele CA368219754.

ClinVar aggregate classification (germline): Pathogenic/Likely pathogenic. Review status: criteria provided, multiple submitters, no conflicts (2 of 4 stars). 2 submissions from 2 submitters: Pathogenic (1); Likely pathogenic (1). Last evaluated 2023-12-27.

Conditions:
Osteogenesis imperfecta, perinatal lethal (OI2). Also called: Osteogenesis imperfecta type 2; OI, TYPE II; OSTEOGENESIS IMPERFECTA CONGENITA; Osteogenesis imperfecta, dominant perinatal lethal; OSTEOGENESIS IMPERFECTA, TYPE II; VROLIK TYPE OF OSTEOGENESIS IMPERFECTA. Identifiers: Orphanet 216804, MedGen C0268358, MONDO:0008147, OMIM 166210.
Osteogenesis imperfecta type III (OI3). Also called: OI type 3; Osteogenesis imperfecta, progressively deforming with normal sclerae; OI type III; Progressively Deforming Osteogenesis Imperfecta; Osteogenesis imperfecta type 3. Identifiers: Orphanet 216812, Orphanet 666, MedGen C0268362, MONDO:0009804, OMIM 259420.
Combined osteogenesis imperfecta and Ehlers-Danlos syndrome 2. Also called: OIEDS SYNDROME 2. Identifiers: MedGen C5436847, MONDO:0030855, OMIM 619120.
Ehlers-Danlos syndrome, arthrochalasia type, 2. Also called: EHLERS-DANLOS SYNDROME, TYPE VIIB, AUTOSOMAL DOMINANT. Identifiers: MedGen CN293783, MONDO:0040501, OMIM 617821.
Osteoporosis. Identifiers: MedGen C0029456, MONDO:0005298, OMIM 166710, HP:0000939.
Osteogenesis imperfecta with normal sclerae, dominant form (OI4). Also called: OSTEOGENESIS IMPERFECTA WITH NORMAL SCLERAE; Osteogenesis Imperfecta Type IV; OSTEOGENESIS IMPERFECTA, TYPE IV, WITH DENTINOGENESIS IMPERFECTA; Common Variable Osteogenesis Imperfecta with Normal Sclerae; Osteogenesis imperfecta type 4. Identifiers: Orphanet 216820, Orphanet 666, MedGen C0268363, MONDO:0008148, OMIM 166220.
Ehlers-Danlos syndrome, cardiac valvular type. Identifiers: Orphanet 230851, MedGen C4303789, MONDO:0009159, OMIM 225320.
Osteogenesis imperfecta type I (OI1). Also called: OI, TYPE I; OSTEOGENESIS IMPERFECTA TARDA; OSTEOGENESIS IMPERFECTA WITH BLUE SCLERAE; Lobstein's Disease; Classic Non-deforming Osteogenesis Imperfecta with Blue Sclerae; Lobstein disease. Identifiers: Orphanet 216796, Orphanet 666, MedGen C0023931, MONDO:0008146, OMIM 166200. Disease mechanism: loss of function.
Ehlers-Danlos syndrome, classic type, 1 (EDSCL1). Also called: Ehlers-Danlos Syndrome, Classic Type, COL5A1-Related; EDS I; Ehlers-Danlos syndrome, type 1; EHLERS-DANLOS SYNDROME, GRAVIS TYPE; EHLERS-DANLOS SYNDROME, SEVERE CLASSIC TYPE. Identifiers: MedGen C0268335, MONDO:0019567, OMIM 130000.

Submissions (2):

Fulgent Genetics
Classification: Likely pathogenic for Osteogenesis imperfecta, perinatal lethal; Osteogenesis imperfecta with normal sclerae, dominant form; Osteoporosis; Ehlers-Danlos syndrome, cardiac valvular type; Osteogenesis imperfecta type III; Ehlers-Danlos syndrome, arthrochalasia type, 2; Combined osteogenesis imperfecta and Ehlers-Danlos syndrome 2. Last evaluated: 2023-12-27. Review status: criteria provided, single submitter. Criteria: ACMG Guidelines, 2015. Collection method: clinical testing. Allele origin: germline.

Labcorp Genetics (formerly Invitae), Labcorp
Classification: Pathogenic for Osteogenesis imperfecta type I; Ehlers-Danlos syndrome, classic type, 1. Last evaluated: 2022-10-28. Review status: criteria provided, single submitter. Criteria: Invitae Variant Classification Sherloc (09022015). Collection method: clinical testing. Allele origin: germline.
Comment: This variant is not present in population databases (gnomAD no frequency). For these reasons, this variant has been classified as Pathogenic. Algorithms developed to predict the effect of sequence changes on RNA splicing suggest that this variant may disrupt the consensus splice site. ClinVar contains an entry for this variant (Variation ID: 581099). Disruption of this splice site has been observed in individuals with autosomal dominant COL1A2-related conditions (PMID: 17078022, 25436829; Invitae). This sequence change affects an acceptor splice site in intron 9 of the COL1A2 gene. It is expected to disrupt RNA splicing. Variants that disrupt the donor or acceptor splice site typically lead to a loss of protein function (PMID: 16199547), and loss-of-function variants in COL1A2 are known to be pathogenic (PMID: 11288717, 15077201).

Literature cited by the submitters: PubMed 17078022 (cited by Labcorp Genetics (formerly Invitae), Labcorp); PubMed 25436829 (cited by Labcorp Genetics (formerly Invitae), Labcorp); PubMed 16199547 (cited by Labcorp Genetics (formerly Invitae), Labcorp); PubMed 11288717 (cited by Labcorp Genetics (formerly Invitae), Labcorp); PubMed 15077201 (cited by Labcorp Genetics (formerly Invitae), Labcorp).